The following is an entry in ClinVar:

ClinVar aggregate classification (germline): Pathogenic. Review status: criteria provided, single submitter (1 of 4 stars). 2 submissions from 2 submitters: Pathogenic (1). 1 of the submissions does not count toward it. Last evaluated 2017-11-08.

Conditions:
Developmental and epileptic encephalopathy, 7 (DEE7). Also called: KCNQ2-Related Neonatal Epileptic Encephalopathy; Early infantile epileptic encephalopathy 7; KCNQ2-Related Neonatal-Onset Developmental and Epileptic Encephalopathy (NEO-DEE). Identifiers: Orphanet 439218, MedGen C3150986, MONDO:0013387, OMIM 613720.

Submissions (2):

GeneDx
Classification: Pathogenic. Last evaluated: 2017-11-08. Review status: criteria provided, single submitter. Criteria: GeneDx Variant Classification (06012015). Collection method: clinical testing. Allele origin: germline. Affected: yes.
Comment: The R553L missense variant in the KCNQ2 gene has been reported previously as de novo in apatient with Ohtahara syndrome (Kato et al., 2013). It was not observed in approximately 6,500 individuals ofEuropean and African American ancestry in the NHLBI Exome Sequencing Project, indicating it is not acommon benign variant in these populations. The R553L variant is a non-conservative amino acidsubstitution, which is likely to impact secondary protein structure as these residues differ in polarity, charge,size and/or other properties. This substitution occurs at a position that is conserved across species. Differentmissense variants in the same residue (R553W, R553Q) as well as multiple missense variants in nearbyresidues have been reported in the Human Gene Mutation Database in association with KCNQ2-relateddisorders (Stenson et al., 2014), supporting the functional importance of this region of the protein. Therefore,R553L is considered a pathogenic variant.

GeneReviews
No classification provided. Condition: Developmental and epileptic encephalopathy, 7. Review status: no classification provided. Collection method: literature only. Allele origin: germline. Affected: yes. Not counted in ClinVar's aggregate classification.
Comment: EE (epileptic encephalopathy)

Literature cited by the submitters: PubMed 23621294 (cited by GeneReviews); NCBI Bookshelf NBK32534 (cited by GeneReviews).

NM_172107.4(KCNQ2):c.1658G>T (p.Arg553Leu)

Gene: KCNQ2 (potassium voltage-gated channel subfamily Q member 2; minus strand). Cytogenetic location: 20q13.33.
Variant type: single nucleotide variant.
Coding change: c.1658G>T on transcript NM_172107.4 (MANE Select); coding-DNA position 1658, G replaced by T.
Protein change: p.Arg553Leu; replaces arginine 553 with leucine.
Molecular consequence: missense variant.
Genome position (GRCh38, 1-based): chr20:63,413,555, C>A on the plus strand (G>T on the coding strand, the complement: KCNQ2 is on the minus strand). VCF-style: chr20-63413555-C-A. GRCh37 (hg19) VCF-style: chr20-62044908-C-A.
Other names: c.1574G>T, p.Arg525Leu (NM_004518.6); c.1604G>T, p.Arg535Leu (NM_172106.3); c.1565G>T, p.Arg522Leu (NM_172108.5); short protein forms R553L, R522L, R535L, R525L.
Identifiers: ClinVar variation 369805 (VCV000369805.3), dbSNP rs118192234, ClinGen allele CA10654783.
Genomic context (GRCh38, chr20:63,413,555, plus strand): 5'-GCTGAGTACTGCTCGATGACGTCCATCACGTCGTAGGGCCGCAGGCTCTCCTTGAACTTC[C>A]GCTTGGACACCAGGAACCGCATGACACTGCAGGGGGGTGGGTGGGGCTGTGAGCCCTGGG-3'
Protein context (NP_742105.1, residues 543-563): VCVMRFLVSK[Arg553Leu]KFKESLRPYD